The following is an entry in ClinVar:

ClinVar aggregate classification (germline): Likely benign. Review status: criteria provided, multiple submitters, no conflicts (2 of 4 stars). 3 submissions from 3 submitters: Likely benign (3). Last evaluated 2025-09-10.

Conditions:
Inborn genetic diseases. Identifiers: MedGen C0950123, MeSH D030342.

gnomAD v4.1: 61 of 1,613,950 alleles (0.0038%); highest among the groups gnomAD compares: South Asian, 0.014%; no homozygotes.

Submissions (3):

Ambry Genetics
Classification: Likely benign for Inborn genetic diseases. Last evaluated: 2025-09-10. Review status: criteria provided, single submitter. Criteria: Ambry Variant Classification Scheme 2023. Collection method: clinical testing. Allele origin: germline.

CeGaT Center for Human Genetics Tuebingen
Classification: Likely benign. Last evaluated: 2023-02-01. Review status: criteria provided, single submitter. Criteria: CeGaT Center For Human Genetics Tuebingen Variant Classification Criteria Version 2. Collection method: clinical testing. Allele origin: germline. Affected: yes. Observed: 1 variant allele.
Comment: VWF: BP4, BP7

Blueprint Genetics
Classification: Likely benign. Last evaluated: 2022-10-10. Review status: criteria provided, single submitter. Criteria: ACMG Guidelines, 2015. Collection method: clinical testing. Allele origin: germline.

NM_000552.5(VWF):c.1059C>T (p.Ser353=)

Gene: VWF (von Willebrand factor; minus strand). Cytogenetic location: 12p13.31.
Variant type: single nucleotide variant.
Coding change: c.1059C>T on transcript NM_000552.5 (MANE Select); coding-DNA position 1059, C replaced by T.
Protein change: p.Ser353=; no amino-acid change (serine 353 retained).
Molecular consequence: synonymous variant.
Genome position (GRCh38, 1-based): chr12:6,072,381, G>A on the plus strand (C>T on the coding strand, the complement: VWF is on the minus strand). VCF-style: chr12-6072381-G-A. GRCh37 (hg19) VCF-style: chr12-6181547-G-A.
Other names: c.1059C>T (NM_000552.3).
Identifiers: ClinVar variation 2642609 (VCV002642609.26), dbSNP rs767726061, ClinGen allele CA6403573.